The following is an entry in ClinVar:

ClinVar aggregate classification (germline): Uncertain significance (1 of 4 stars; one submission).

Conditions:
Retinitis pigmentosa 33 (RP33). Identifiers: Orphanet 791, MedGen C1835895, MONDO:0012477, OMIM 610359.

Submission:

MGZ Medical Genetics Center
Classification: Uncertain significance for Retinitis pigmentosa 33. Last evaluated: 2022-06-09. Review status: criteria provided, single submitter. Criteria: ACMG Guidelines, 2015. Collection method: clinical testing. Allele origin: germline. Affected: yes. Observed: 1 variant allele.
Comment: ACMG criteria applied: PM2_SUP, PP2

NM_014014.5(SNRNP200):c.5914A>C (p.Lys1972Gln)

Gene: SNRNP200 (small nuclear ribonucleoprotein U5 subunit 200; minus strand). Cytogenetic location: 2q11.2.
Variant type: single nucleotide variant.
Coding change: c.5914A>C on transcript NM_014014.5 (MANE Select); coding-DNA position 5914, A replaced by C.
Protein change: p.Lys1972Gln; replaces lysine 1972 with glutamine.
Molecular consequence: missense variant.
Genome position (GRCh38, 1-based): chr2:96,277,556, T>G on the plus strand (A>C on the coding strand, the complement: SNRNP200 is on the minus strand). VCF-style: chr2-96277556-T-G. GRCh37 (hg19) VCF-style: chr2-96943294-T-G.
Other names: short protein forms K1972Q.
Identifiers: ClinVar variation 1709535 (VCV001709535.2), dbSNP rs2467311685, ClinGen allele CA347657317.
Genomic context (GRCh38, chr2:96,277,556, plus strand): 5'-TCTCAGGCTCACCCACCTGACCCTCTAGGCTGACCCGGCTCACCTTGTCTGTGCAACGTT[T>G]GATATGCTCAGAGGTGAAGTGTGGCAGCTGCTTCAGGTATGAGTCCTTGGACCACATGGC-3'
Protein context (NP_054733.2, residues 1962-1982): QLPHFTSEHI[Lys1972Gln]RCTDKGVESV